The following is an entry in ClinVar:

ClinVar aggregate classification (germline): Uncertain significance. Review status: criteria provided, multiple submitters, no conflicts (2 of 4 stars). 2 submissions from 2 submitters: Uncertain significance (2). Last evaluated 2025-11-18.

Conditions:
Hereditary cancer-predisposing syndrome. Also called: Neoplastic Syndromes, Hereditary; Tumor predisposition; Hereditary neoplastic syndrome; Hereditary Cancer Syndrome. Identifiers: Orphanet 140162, MedGen C0027672, MeSH D009386, MONDO:0015356.
Familial adenomatous polyposis 1 (FAP1). Also called: POLYPOSIS, ADENOMATOUS INTESTINAL; FAMILIAL ADENOMATOUS POLYPOSIS 1, ATTENUATED. Identifiers: MedGen C2713442, MONDO:0021056, OMIM 175100. Disease mechanism: loss of function.

Submissions (2):

Ambry Genetics
Classification: Uncertain significance for Hereditary cancer-predisposing syndrome. Last evaluated: 2025-11-18. Review status: criteria provided, single submitter. Criteria: Ambry Variant Classification Scheme 2023. Collection method: clinical testing. Allele origin: germline.
Comment: The p.H2532D variant (also known as c.7594C>G), located in coding exon 15 of the APC gene, results from a C to G substitution at nucleotide position 7594. The histidine at codon 2532 is replaced by aspartic acid, an amino acid with similar properties. This amino acid position is well conserved in available vertebrate species. In addition, in silico predictors for this gene do not accurately predict pathogenicity. Missense variants in APC are not a common cause of disease (Spier I et al. Genet Med. 2024 Feb;26(2):100992). Based on the available evidence, the clinical significance of this variant remains unclear.

Labcorp Genetics (formerly Invitae), Labcorp
Classification: Uncertain significance for Familial adenomatous polyposis 1. Last evaluated: 2021-11-01. Review status: criteria provided, single submitter. Criteria: Invitae Variant Classification Sherloc (09022015). Collection method: clinical testing. Allele origin: germline.
Comment: In summary, the available evidence is currently insufficient to determine the role of this variant in disease. Therefore, it has been classified as a Variant of Uncertain Significance. Algorithms developed to predict the effect of missense changes on protein structure and function are either unavailable or do not agree on the potential impact of this missense change (SIFT: "Tolerated"; PolyPhen-2: "Probably Damaging"; Align-GVGD: "Class C0"). ClinVar contains an entry for this variant (Variation ID: 827144). This variant has not been reported in the literature in individuals affected with APC-related conditions. This variant is not present in population databases (gnomAD no frequency). This sequence change replaces histidine, which is basic and polar, with aspartic acid, which is acidic and polar, at codon 2532 of the APC protein (p.His2532Asp).

NM_000038.6(APC):c.7594C>G (p.His2532Asp)

Gene: APC (APC regulator of Wnt signaling pathway; plus strand). Cytogenetic location: 5q22.2.
Variant type: single nucleotide variant.
Coding change: c.7594C>G on transcript NM_000038.6 (MANE Select); coding-DNA position 7594, C replaced by G.
Protein change: p.His2532Asp; replaces histidine 2532 with aspartic acid.
Molecular consequence: missense variant.
Genome position (GRCh38, 1-based): chr5:112,843,188, C>G. VCF-style: chr5-112843188-C-G. GRCh37 (hg19) VCF-style: chr5-112178885-C-G.
Other names: c.7594C>G, p.His2532Asp (NM_001127510.3, NM_001354895.2); c.7540C>G, p.His2514Asp (NM_001127511.3); c.7648C>G, p.His2550Asp (NM_001354896.2); c.7624C>G, p.His2542Asp (NM_001354897.2); c.7519C>G, p.His2507Asp (NM_001354898.2); c.7510C>G, p.His2504Asp (NM_001354899.2); c.7471C>G, p.His2491Asp (NM_001354900.2); c.7417C>G, p.His2473Asp (NM_001354901.2); and 5 more; short protein forms H2249D, H2372D, H2473D, H2491D, H2504D, H2542D, H2550D, H2406D.
Identifiers: ClinVar variation 827144 (VCV000827144.11), dbSNP rs375080917, ClinGen allele CA16037829.